The following is an entry in ClinVar:

ClinVar aggregate classification (germline): Uncertain significance (1 of 4 stars; one submission).

Conditions:
3-methylcrotonyl-CoA carboxylase 2 deficiency. Also called: METHYLCROTONYLGLYCINURIA, TYPE II; 3 alpha methylcrotonyl-CoA carboxylase 2 deficiency; 3 alpha methylcrotonylglycinuria 2; MCC 2 deficiency; Methylcrotonylglycinuria type 2. Identifiers: Orphanet 6, MedGen C1859499, MONDO:0008862, OMIM 210210.

gnomAD v4.1: 3 of 1,614,164 alleles (0.00019%); highest among the groups gnomAD compares: Non-Finnish European, 0.00025%; no homozygotes.

Submission:

Myriad Genetics, Inc.
Classification: Uncertain significance for 3-methylcrotonyl-CoA carboxylase 2 deficiency. Last evaluated: 2026-06-04. Review status: criteria provided, single submitter. Criteria: Myriad Autosomal Dominant, Autosomal Recessive and X-Linked Classification Criteria (2023). Collection method: clinical testing. Allele origin: unknown.
Comment: NM_022132.4(MCCC2):c.845A>G(H282R) is a missense variant classified as a variant of uncertain significance in the context of 3-methylcrotonyl-CoA carboxylase deficiency, MCCC2-related. H282R has been observed in a case with relevant disease (PMID: 22642865). Relevant functional assessments of this variant are available in the literature (PMID: 22642865). H282R has not been observed in referenced population frequency databases. In summary, there is insufficient evidence to classify NM_022132.4(MCCC2):c.845A>G(H282R) as pathogenic or benign. Please note: this variant was assessed in the context of healthy population screening.

Literature cited by the submitters: PubMed 22642865.

NM_022132.5(MCCC2):c.845A>G (p.His282Arg)

Gene: MCCC2 (methylcrotonyl-CoA carboxylase subunit 2; plus strand). Cytogenetic location: 5q13.2.
Variant type: single nucleotide variant.
Coding change: c.845A>G on transcript NM_022132.5 (MANE Select); coding-DNA position 845, A replaced by G.
Protein change: p.His282Arg; replaces histidine 282 with arginine.
Molecular consequence: missense variant.
Genome position (GRCh38, 1-based): chr5:71,634,984, A>G. VCF-style: chr5-71634984-A-G. GRCh37 (hg19) VCF-style: chr5-70930811-A-G.
Other names: c.731A>G, p.His244Arg (NM_001363147.1); short protein forms H244R, H282R.
Identifiers: ClinVar variation 5004716 (VCV005004716.1).